The following is an entry in ClinVar:

NM_000169.3(GLA):c.1154C>A (p.Thr385Lys)

Genes: GLA (galactosidase alpha; minus strand), RPL36A-HNRNPH2 (RPL36A-HNRNPH2 readthrough; plus strand). Cytogenetic location: Xq22.1.
Variant type: single nucleotide variant.
Coding change: c.1154C>A on transcript NM_000169.3 (MANE Select); coding-DNA position 1154, C replaced by A.
Protein change: p.Thr385Lys; replaces threonine 385 with lysine.
Molecular consequence: missense variant. On other transcripts: non-coding transcript variant (3), intron variant (2).
Genome position (GRCh38, 1-based): chrX:101,397,945, G>T on the plus strand (C>A on the coding strand, the complement: GLA is on the minus strand). VCF-style: chrX-101397945-G-T. GRCh37 (hg19) VCF-style: chrX-100652933-G-T.
Other names: c.1277C>A, p.Thr426Lys (NM_001406747.1); c.300+2488G>T (NM_001199973.2); c.177+6123G>T (NM_001199974.2); short protein forms T385K, T426K.
Identifiers: ClinVar variation 1393972 (VCV001393972.8), dbSNP rs1555984780, ClinGen allele CA413920137.
Genomic context (GRCh38, chrX:101,397,945, plus strand): 5'-CTTCTTAACCTTGAAGTCCATTCATAGAACCCTAGCTTCCTTTTCACAGGGAGGAGCTGT[G>T]TGATGAAGCAGGCAGGATTACAGGCCACTCCTTTACCCAGGGAAGCAACTGCGATGGTAT-3'
Protein context (NP_000160.1, residues 375-395): GVACNPACFI[Thr385Lys]QLLPVKRKLG

ClinVar aggregate classification (germline): Uncertain significance (1 of 4 stars; one submission).

Conditions:
Fabry disease. Also called: Fabry's disease; ALPHA-GALACTOSIDASE A DEFICIENCY; ANDERSON-FABRY DISEASE; CERAMIDE TRIHEXOSIDASE DEFICIENCY; GLA DEFICIENCY; HEREDITARY DYSTOPIC LIPIDOSIS. Identifiers: Orphanet 324, MedGen C0002986, MONDO:0010526, OMIM 301500, HP:0001071. Disease mechanism: Fabry disease is due to inactivating mutations in the X-linked GLA gene resulting in deficiency of the enzyme Alpha Galactosidase-A., loss of function.

Submission:

Labcorp Genetics (formerly Invitae), Labcorp
Classification: Uncertain significance for Fabry disease. Last evaluated: 2022-10-17. Review status: criteria provided, single submitter. Criteria: Invitae Variant Classification Sherloc (09022015). Collection method: clinical testing. Allele origin: germline.
Comment: ClinVar contains an entry for this variant (Variation ID: 1393972). In summary, the available evidence is currently insufficient to determine the role of this variant in disease. Therefore, it has been classified as a Variant of Uncertain Significance. Advanced modeling of protein sequence and biophysical properties (such as structural, functional, and spatial information, amino acid conservation, physicochemical variation, residue mobility, and thermodynamic stability) performed at Invitae indicates that this missense variant is not expected to disrupt GLA protein function. This variant has not been reported in the literature in individuals affected with GLA-related conditions. This variant is not present in population databases (gnomAD no frequency). This sequence change replaces threonine, which is neutral and polar, with lysine, which is basic and polar, at codon 385 of the GLA protein (p.Thr385Lys).